The following is an entry in ClinVar:

NM_004006.3(DMD):c.10150del (p.Arg3384fs)

Gene: DMD (dystrophin; minus strand). Cytogenetic location: Xp21.2.
Variant type: Deletion.
Coding change: c.10150del on transcript NM_004006.3 (MANE Select); coding-DNA position 10150, one base deleted (A; older notation c.10150delA).
Protein change: p.Arg3384fs; shifts the reading frame from arginine 3384.
Molecular consequence: frameshift variant.
Genome position (GRCh38, 1-based): chrX:31,178,742, T deleted on the plus strand (A on the coding strand, the reverse complement: DMD is on the minus strand); the first of 4 consecutive T bases (chrX:31,178,742-31,178,745); deleting any one gives the same sequence. VCF-style (leftmost placement, unchanged base first): chrX-31178741-CT-C. GRCh37 (hg19) VCF-style: chrX-31196858-CT-C.
Other names: c.10150delA (NM_004006.2); c.10126del, p.Arg3376fs (NM_000109.4); c.10138del, p.Arg3380fs (NM_004009.3); c.9781del, p.Arg3261fs (NM_004010.3); c.6127del, p.Arg2043fs (NM_004011.4); c.6118del, p.Arg2040fs (NM_004012.4); c.2770del, p.Arg924fs (NM_004013.3, NM_004020.4, NM_004021.3 and 2 more transcripts); c.1963del, p.Arg655fs (NM_004014.3); and 2 more; short protein forms R2043fs, R316fs, R3261fs, R3380fs, R3384fs, R924fs, R2040fs, R3376fs.
Identifiers: ClinVar variation 265606 (VCV000265606.7), dbSNP rs886039663, ClinGen allele CA10588764.

ClinVar aggregate classification (germline): Pathogenic/Likely pathogenic. Review status: criteria provided, multiple submitters, no conflicts (2 of 4 stars). 3 submissions from 3 submitters: Pathogenic (2); Likely pathogenic (1). Last evaluated 2025-08-22.

Conditions:
Becker muscular dystrophy, Cardiomyopathy, Duchenne muscular dystrophy, Dystrophin deficiency.

Submissions (3):

Natera, Inc.
Classification: Likely pathogenic for Becker muscular dystrophy, Cardiomyopathy, Duchenne muscular dystrophy, Dystrophin deficiency. Last evaluated: 2025-08-22. Review status: criteria provided, single submitter. Criteria: Natera Variant Classification Schema (03/2026). Collection method: clinical testing. Allele origin: germline.
Comment: The c.10150del variant in DMD is a frameshift variant predicted to shift the reading frame beginning at codon 3384 and leads to a stop codon 18 codons downstream. This variant is expected to result in nonsense mediated decay, truncation, or a dysfunctional protein product. This variant is rare in the general population with a frequency below the threshold expected for the associated phenotype(s). Given the available evidence, this variant is classified as Likely Pathogenic.

GeneDx
Classification: Pathogenic. Last evaluated: 2016-06-16. Review status: criteria provided, single submitter. Criteria: GeneDx Variant Classification (06012015). Collection method: clinical testing. Allele origin: germline. Affected: yes.
Comment: The c.10150delA pathogenic variant in the DMD gene causes a frameshift starting with codon Arginine 3384, changes this amino acid to a Glycine residue and creates a premature Stop codon at position 18 of the new reading frame, denoted p.Arg3384GlyfsX18. This pathogenic variant is predicted to cause loss of normal protein function either through protein truncation or nonsense-mediated mRNA decay. Furthermore, the c.10150delA pathogenic variant was not observed in approximately 6,500 individuals of European and African American ancestry in the NHLBI Exome Sequencing Project, indicating it is not a common benign variant in these populations.

Eurofins Ntd Llc (ga)
Classification: Pathogenic. Last evaluated: 2016-03-30. Review status: criteria provided, single submitter. Criteria: EGL Classification Definitions 2015. Collection method: clinical testing. Allele origin: germline. Observed: 2 variant alleles, 1 heterozygote, 1 hemizygote.